The following is an entry in ClinVar:

NM_001365536.1(SCN9A):c.1538G>A (p.Ser513Asn)

Genes: SCN9A (sodium voltage-gated channel alpha subunit 9; minus strand), SCN1A-AS1 (SCN1A and SCN9A antisense RNA 1; plus strand). Cytogenetic location: 2q24.3.
Variant type: single nucleotide variant.
Coding change: c.1538G>A on transcript NM_001365536.1 (MANE Select); coding-DNA position 1538, G replaced by A.
Protein change: p.Ser513Asn; replaces serine 513 with asparagine.
Molecular consequence: missense variant.
Genome position (GRCh38, 1-based): chr2:166,286,400, C>T on the plus strand (G>A on the coding strand, the complement: SCN9A is on the minus strand). VCF-style: chr2-166286400-C-T. GRCh37 (hg19) VCF-style: chr2-167142910-C-T.
Other names: c.1538G>A, p.Ser513Asn (NM_002977.4); short protein forms S513N.
Identifiers: ClinVar variation 2923461 (VCV002923461.4), dbSNP rs1354257770, ClinGen allele CA349084440.

ClinVar aggregate classification (germline): Uncertain significance. Review status: criteria provided, multiple submitters, no conflicts (2 of 4 stars). 2 submissions from 2 submitters: Uncertain significance (2). Last evaluated 2024-10-16.

Conditions:
Inborn genetic diseases. Identifiers: MedGen C0950123, MeSH D030342.
Generalized epilepsy with febrile seizures plus, type 7 (GEFSP7). Also called: GEFS+, TYPE 7. Identifiers: Orphanet 36387, MedGen C2751778, MONDO:0013470, OMIM 613863.
Neuropathy, hereditary sensory and autonomic, type 2A (HSAN2A). Also called: ACROOSTEOLYSIS, GIACCAI TYPE; ACROOSTEOLYSIS, NEUROGENIC; HSAN IIA; WNK1-Related HSAN2 (HSAN2A); MORVAN DISEASE; NEUROPATHY, CONGENITAL SENSORY. Identifiers: Orphanet 970, MedGen C2752089, MONDO:0024309, OMIM 201300.

Allele frequency attached by ClinVar (database versions not stated): gnomAD exomes below 0.00001; TOPMed below 0.00001.

Submissions (2):

Ambry Genetics
Classification: Uncertain significance for Inborn genetic diseases. Last evaluated: 2024-10-16. Review status: criteria provided, single submitter. Criteria: Ambry Variant Classification Scheme 2023. Collection method: clinical testing. Allele origin: germline.

Labcorp Genetics (formerly Invitae), Labcorp
Classification: Uncertain significance for Neuropathy, hereditary sensory and autonomic, type 2A; Generalized epilepsy with febrile seizures plus, type 7. Last evaluated: 2024-02-08. Review status: criteria provided, single submitter. Criteria: Invitae Variant Classification Sherloc (09022015). Collection method: clinical testing. Allele origin: germline.
Comment: This sequence change replaces serine, which is neutral and polar, with asparagine, which is neutral and polar, at codon 513 of the SCN9A protein (p.Ser513Asn). This variant is present in population databases (no rsID available, gnomAD 0.002%). This variant has not been reported in the literature in individuals affected with SCN9A-related conditions. Advanced modeling of protein sequence and biophysical properties (such as structural, functional, and spatial information, amino acid conservation, physicochemical variation, residue mobility, and thermodynamic stability) performed at Invitae indicates that this missense variant is not expected to disrupt SCN9A protein function with a negative predictive value of 95%. In summary, the available evidence is currently insufficient to determine the role of this variant in disease. Therefore, it has been classified as a Variant of Uncertain Significance.